The following is an entry in ClinVar:

NM_020937.4(FANCM):c.548G>A (p.Ser183Asn)

Gene: FANCM (FA complementation group M; plus strand). Cytogenetic location: 14q21.2.
Variant type: single nucleotide variant.
Coding change: c.548G>A on transcript NM_020937.4 (MANE Select); coding-DNA position 548, G replaced by A.
Protein change: p.Ser183Asn; replaces serine 183 with asparagine.
Molecular consequence: missense variant.
Genome position (GRCh38, 1-based): chr14:45,137,108, G>A. VCF-style: chr14-45137108-G-A. GRCh37 (hg19) VCF-style: chr14-45606311-G-A.
Other names: c.548G>A, p.Ser183Asn (NM_001308133.2, NM_001308134.2); c.548G>A (NM_020937.2); short protein forms S183N.
Identifiers: ClinVar variation 1026439 (VCV001026439.9), dbSNP rs961990525, ClinGen allele CA259603151.
Genomic context (GRCh38, chr14:45,137,108, plus strand): 5'-GAATGTCACTTTTATTTTCAGGGTCTACACAAGCTTCCACCAGGAAGGAAATATGGTGCA[G>A]TAAGAGAGTGCTTTTTCTTACACCTCAGGTCATGGTAAATGACCTTTCTAGAGGAGCTTG-3'
Protein context (NP_065988.1, residues 173-193): QASTRKEIWC[Ser183Asn]KRVLFLTPQV

ClinVar aggregate classification (germline): Conflicting classifications of pathogenicity. Review status: criteria provided, conflicting classifications (1 of 4 stars). 2 submissions from 2 submitters: Uncertain significance (1); Likely benign (1). Last evaluated 2025-06-20.

Conditions:
Fanconi anemia (FA). Also called: Fanconi's anemia. Identifiers: Orphanet 84, MedGen C0015625, MeSH D005199, MONDO:0019391.
Inborn genetic diseases. Identifiers: MedGen C0950123, MeSH D030342.

Allele frequency attached by ClinVar (database versions not stated): gnomAD exomes below 0.00001.
gnomAD v4.1: 6 of 1,613,494 alleles (0.00037%); highest among the groups gnomAD compares: Admixed American, 0.005%; no homozygotes.

Submissions (2):

Ambry Genetics
Classification: Likely benign for Inborn genetic diseases. Last evaluated: 2025-06-20. Review status: criteria provided, single submitter. Criteria: Ambry Variant Classification Scheme 2023. Collection method: clinical testing. Allele origin: germline.

Labcorp Genetics (formerly Invitae), Labcorp
Classification: Uncertain significance for Fanconi anemia. Last evaluated: 2023-05-02. Review status: criteria provided, single submitter. Criteria: Invitae Variant Classification Sherloc (09022015). Collection method: clinical testing. Allele origin: germline.
Comment: This sequence change replaces serine, which is neutral and polar, with asparagine, which is neutral and polar, at codon 183 of the FANCM protein (p.Ser183Asn). In summary, the available evidence is currently insufficient to determine the role of this variant in disease. Therefore, it has been classified as a Variant of Uncertain Significance. Algorithms developed to predict the effect of missense changes on protein structure and function output the following: SIFT: "Not Available"; PolyPhen-2: "Benign"; Align-GVGD: "Not Available". The asparagine amino acid residue is found in multiple mammalian species, which suggests that this missense change does not adversely affect protein function. ClinVar contains an entry for this variant (Variation ID: 1026439). This variant has not been reported in the literature in individuals affected with FANCM-related conditions. This variant is present in population databases (no rsID available, gnomAD 0.003%).